The following is an entry in ClinVar:

NM_006506.5(RASA2):c.1603A>G (p.Ile535Val)

Gene: RASA2 (RAS p21 protein activator 2; plus strand). Cytogenetic location: 3q23.
Variant type: single nucleotide variant.
Coding change: c.1603A>G on transcript NM_006506.5 (MANE Select); coding-DNA position 1603, A replaced by G.
Protein change: p.Ile535Val; replaces isoleucine 535 with valine.
Molecular consequence: missense variant.
Genome position (GRCh38, 1-based): chr3:141,580,380, A>G. VCF-style: chr3-141580380-A-G. GRCh37 (hg19) VCF-style: chr3-141299222-A-G.
Other names: c.1603A>G, p.Ile535Val (NM_001303245.3, NM_001303246.3); c.1603A>G (NM_001303246.1); short protein forms I535V.
Identifiers: ClinVar variation 252665 (VCV000252665.51), dbSNP rs143035190, ClinGen allele CA2645567.
Genomic context (GRCh38, chr3:141,580,380, plus strand): 5'-CTATTTTCTTGAAAACTTAGTAGTTTTGGTCTTTTTTACATTCTTTAGGATGCACAGACA[A>G]TTAGAACATTAACTCTCATCTCAAAAACTATACAAACTTTGGGAAGCTGGGGGAGTCTGT-3'
Protein context (NP_006497.2, residues 525-545): LRPHHPDAQT[Ile535Val]RTLTLISKTI

ClinVar aggregate classification (germline): Benign/Likely benign. Review status: criteria provided, multiple submitters, no conflicts (2 of 4 stars). 10 submissions from 10 submitters: Benign (4); Likely benign (5). 1 of the submissions does not count toward it. Last evaluated 2026-04-01.

Conditions:
RASA2-related disorder. Also called: RASA2-related condition.

Allele frequency attached by ClinVar (database versions not stated): 1000 Genomes Project 30x 0.00109; 1000 Genomes Project 0.00120; ESP Exome Variant Server 0.00223; TOPMed 0.00252; gnomAD exomes 0.00275 and 0.00391; gnomAD 0.00276 and 0.00283; ExAC 0.00388.
gnomAD v4.1: 4,559 of 1,606,504 alleles (0.28%); highest among the groups gnomAD compares: Middle Eastern, 0.99%; 27 homozygotes.

Submissions (10):

CeGaT Center for Human Genetics Tuebingen
Classification: Likely benign. Last evaluated: 2026-04-01. Review status: criteria provided, single submitter. Criteria: CeGaT Center For Human Genetics Tuebingen Variant Classification Criteria Version 2. Collection method: clinical testing. Allele origin: germline. Affected: yes. Observed: 10 variant alleles.
Comment: RASA2: BP4, BS1

Labcorp Genetics (formerly Invitae), Labcorp
Classification: Likely benign. Last evaluated: 2026-02-01. Review status: criteria provided, single submitter. Criteria: Invitae Variant Classification Sherloc (09022015). Collection method: clinical testing. Allele origin: germline.

ARUP Laboratories, Molecular Genetics and Genomics, ARUP Laboratories
Classification: Benign. Last evaluated: 2024-12-31. Review status: criteria provided, single submitter. Criteria: ARUP Molecular Germline Variant Investigation Process 2024. Collection method: clinical testing. Allele origin: germline.

Blueprint Genetics
Classification: Likely benign. Last evaluated: 2024-11-23. Review status: criteria provided, single submitter. Criteria: ACMG Guidelines, 2015. Collection method: clinical testing. Allele origin: germline.

Ambry Genetics
Classification: Likely benign. Last evaluated: 2022-09-02. Review status: criteria provided, single submitter. Criteria: Ambry Variant Classification Scheme 2023. Collection method: clinical testing. Allele origin: germline.

GeneDx
Classification: Benign. Last evaluated: 2019-03-19. Review status: criteria provided, single submitter. Criteria: GeneDx Variant Classification Process June 2021. Collection method: clinical testing. Allele origin: germline. Affected: yes.

Women's Health and Genetics/Laboratory Corporation of America, LabCorp
Classification: Benign. Last evaluated: 2017-07-04. Review status: criteria provided, single submitter. Criteria: LabCorp Variant Classification Summary - May 2015. Collection method: clinical testing. Allele origin: germline.
Comment: Variant summary: The RASA2 c.1603A>G (p.Ile535Val) variant involves the alteration of a non-conserved nucleotide. 4/4 in silico tools predict benign outcome for this variant. This variant was found in 469/120832 control chromosomes (3 homozygotes) at a frequency of 0.0038814, which is approximately 776 times the estimated maximal expected allele frequency of a pathogenic RASA2 variant (0.000005), suggesting this variant is likely a benign polymorphism. In addition, one clinical diagnostic laboratory (via ClinVar) has classified this variant as benign. The variant of interest has not, to our knowledge, been reported in affected individuals via publications. Taken together, this variant is classified as benign.

Genomic Diagnostic Laboratory, Division of Genomic Diagnostics, Children's Hospital of Philadelphia
Classification: Benign. Last evaluated: 2015-08-24. Review status: criteria provided, single submitter. Criteria: DGD Variant Analysis Guidelines. Collection method: clinical testing. Allele origin: unknown.

Breakthrough Genomics
Classification: Likely benign. Review status: criteria provided, single submitter. Criteria: ACMG Guidelines, 2015. Collection method: not provided. Allele origin: germline. Inheritance: Unknown mechanism. Affected: yes.

PreventionGenetics, part of Exact Sciences
Classification: Benign for RASA2-related condition. Last evaluated: 2020-03-18. Review status: no assertion criteria provided. Collection method: clinical testing. Allele origin: germline. Not counted in ClinVar's aggregate classification.
Comment: This variant is classified as benign based on ACMG/AMP sequence variant interpretation guidelines (Richards et al. 2015 PMID: 25741868, with internal and published modifications).